The following is an entry in ClinVar:

NM_004281.4(BAG3):c.1624G>T (p.Ala542Ser)

Gene: BAG3 (BAG cochaperone 3; plus strand). Cytogenetic location: 10q26.11.
Variant type: single nucleotide variant.
Coding change: c.1624G>T on transcript NM_004281.4 (MANE Select); coding-DNA position 1624, G replaced by T.
Protein change: p.Ala542Ser; replaces alanine 542 with serine.
Molecular consequence: missense variant.
Genome position (GRCh38, 1-based): chr10:119,677,178, G>T. VCF-style: chr10-119677178-G-T. GRCh37 (hg19) VCF-style: chr10-121436690-G-T.
Other names: short protein forms A542S.
Identifiers: ClinVar variation 1042303 (VCV001042303.12), dbSNP rs760485616, ClinGen allele CA5716584.
Genomic context (GRCh38, chr10:119,677,178, plus strand): 5'-CAGGCAATCATGGAGATGGGTGCCGTGGCAGCAGACAAGGGCAAGAAAAATGCTGGAAAT[G>T]CAGAAGATCCCCACACAGAAACCCAGCAGCCAGAAGCCACAGCAGCAGCGACTTCAAACC-3'
Protein context (NP_004272.2, residues 532-552): ADKGKKNAGN[Ala542Ser]EDPHTETQQP

ClinVar aggregate classification (germline): Uncertain significance. Review status: criteria provided, multiple submitters, no conflicts (2 of 4 stars). 3 submissions from 3 submitters: Uncertain significance (3). Last evaluated 2025-03-31.

Conditions:
Cardiovascular phenotype. Identifiers: MedGen CN230736.
Myofibrillar myopathy 6. Identifiers: Orphanet 199340, MedGen C2751831, MONDO:0013061, OMIM 612954.
Dilated cardiomyopathy 1HH (CMD1HH). Identifiers: Orphanet 154, MedGen C3151293, MONDO:0013479, OMIM 613881.

Allele frequency attached by ClinVar (database versions not stated): gnomAD exomes below 0.00001; ExAC 0.00001; gnomAD 0.00001.
gnomAD v4.1: 4 of 1,614,038 alleles (0.00025%); highest among the groups gnomAD compares: African/African-American, 0.0027%; no homozygotes.

Submissions (3):

Labcorp Genetics (formerly Invitae), Labcorp
Classification: Uncertain significance for Dilated cardiomyopathy 1HH; Myofibrillar myopathy 6. Last evaluated: 2025-03-31. Review status: criteria provided, single submitter. Criteria: Invitae Variant Classification Sherloc (09022015). Collection method: clinical testing. Allele origin: germline.
Comment: This sequence change replaces alanine, which is neutral and non-polar, with serine, which is neutral and polar, at codon 542 of the BAG3 protein (p.Ala542Ser). This variant is present in population databases (rs760485616, gnomAD 0.007%). This variant has not been reported in the literature in individuals affected with BAG3-related conditions. ClinVar contains an entry for this variant (Variation ID: 1042303). Invitae Evidence Modeling of protein sequence and biophysical properties (such as structural, functional, and spatial information, amino acid conservation, physicochemical variation, residue mobility, and thermodynamic stability) indicates that this missense variant is not expected to disrupt BAG3 protein function with a negative predictive value of 80%. In summary, the available evidence is currently insufficient to determine the role of this variant in disease. Therefore, it has been classified as a Variant of Uncertain Significance.

Ambry Genetics
Classification: Uncertain significance for Cardiovascular phenotype. Last evaluated: 2022-04-07. Review status: criteria provided, single submitter. Criteria: Ambry Variant Classification Scheme 2023. Collection method: clinical testing. Allele origin: germline.
Comment: The p.A542S variant (also known as c.1624G>T), located in coding exon 4 of the BAG3 gene, results from a G to T substitution at nucleotide position 1624. The alanine at codon 542 is replaced by serine, an amino acid with similar properties. This amino acid position is conserved. In addition, this alteration is predicted to be tolerated by in silico analysis. Since supporting evidence is limited at this time, the clinical significance of this alteration remains unclear.

GeneDx
Classification: Uncertain significance. Last evaluated: 2021-06-30. Review status: criteria provided, single submitter. Criteria: GeneDx Variant Classification Process June 2021. Collection method: clinical testing. Allele origin: germline. Affected: yes.
Comment: Has not been previously published as pathogenic or benign to our knowledge; Reported in ClinVar as a variant of uncertain significance (ClinVar Variant ID# 1042303; Landrum et al., 2016); Not observed at significant frequency in large population cohorts (Lek et al., 2016); In silico analysis supports that this missense variant does not alter protein structure/function; This variant is associated with the following publications: (PMID: 20001957, 27535533, 26582918)